The following is an entry in ClinVar:

NM_002693.3(POLG):c.2045C>G (p.Thr682Ser)

Gene: POLG (DNA polymerase gamma, catalytic subunit; minus strand). Cytogenetic location: 15q26.1.
Variant type: single nucleotide variant.
Coding change: c.2045C>G on transcript NM_002693.3 (MANE Select); coding-DNA position 2045, C replaced by G.
Protein change: p.Thr682Ser; replaces threonine 682 with serine.
Molecular consequence: missense variant.
Genome position (GRCh38, 1-based): chr15:89,324,132, G>C on the plus strand (C>G on the coding strand, the complement: POLG is on the minus strand). VCF-style: chr15-89324132-G-C. GRCh37 (hg19) VCF-style: chr15-89867363-G-C.
Other names: c.2045C>G, p.Thr682Ser (NM_001126131.2); short protein forms T682S.
Identifiers: ClinVar variation 619414 (VCV000619414.7), dbSNP rs1328436909, ClinGen allele CA10602214.
Genomic context (GRCh38, chr15:89,324,132, plus strand): 5'-CCTCCCCAAAGCTCAGGTTCAGAGCCTGCCCTCACCGTTTGCCATATGGCACTATTGTCA[G>C]TGAGCAGGAACTCCTCCGCCAGGCCGGCCTCCTGGGGCATCAGCTGCTGCTTCCCCTGTT-3'
Protein context (NP_002684.1, residues 672-692): EAGLAEEFLL[Thr682Ser]DNSAIWQTVE

ClinVar aggregate classification (germline): Uncertain significance. Review status: criteria provided, multiple submitters, no conflicts (2 of 4 stars). 2 submissions from 2 submitters: Uncertain significance (2). Last evaluated 2024-10-23.

Conditions:
Progressive sclerosing poliodystrophy (MTDPS4A). Also called: Alpers-Huttenlocher Syndrome (AHS); Alpers Syndrome; ALPERS PROGRESSIVE INFANTILE POLIODYSTROPHY; Mitochondrial DNA depletion syndrome 4A (Alpers type); ALPERS DIFFUSE DEGENERATION OF CEREBRAL GRAY MATTER WITH HEPATIC CIRRHOSIS; Alpers-Huttenlocher Syndrome. Identifiers: Orphanet 726, MedGen C0205710, MONDO:0008758, OMIM 203700.

Allele frequency attached by ClinVar (database versions not stated): TOPMed below 0.00001; gnomAD 0.00001.
gnomAD v4.1: 2 of 1,613,950 alleles (0.00012%); highest among the groups gnomAD compares: Admixed American, 0.0033%; no homozygotes.

Submissions (2):

Labcorp Genetics (formerly Invitae), Labcorp
Classification: Uncertain significance for Progressive sclerosing poliodystrophy. Last evaluated: 2024-10-23. Review status: criteria provided, single submitter. Criteria: Invitae Variant Classification Sherloc (09022015). Collection method: clinical testing. Allele origin: germline.
Comment: This sequence change replaces threonine, which is neutral and polar, with serine, which is neutral and polar, at codon 682 of the POLG protein (p.Thr682Ser). This variant is not present in population databases (gnomAD no frequency). This variant has not been reported in the literature in individuals affected with POLG-related conditions. ClinVar contains an entry for this variant (Variation ID: 619414). Invitae Evidence Modeling of protein sequence and biophysical properties (such as structural, functional, and spatial information, amino acid conservation, physicochemical variation, residue mobility, and thermodynamic stability) indicates that this missense variant is not expected to disrupt POLG protein function with a negative predictive value of 95%. In summary, the available evidence is currently insufficient to determine the role of this variant in disease. Therefore, it has been classified as a Variant of Uncertain Significance.

Wong Mito Lab, Molecular and Human Genetics, Baylor College of Medicine
Classification: Uncertain significance for Progressive sclerosing poliodystrophy. Last evaluated: 2018-10-01. Review status: criteria provided, single submitter. Criteria: ACMG Guidelines, 2015. Collection method: clinical testing. Allele origin: germline.
Comment: The NM_002693.2:c.2045C>G (NP_002684.1:p.Thr682Ser) [GRCH38: NC_000015.10:g.89324132G>C] variant in POLG gene is interpretated to be a Uncertain Significance based on ACMG guidelines (PMID: 25741868). This variant meets the following evidence codes reported in the ACMG-guideline. BP4:Computational evidence/predictors indicate no impact on the POLG structure, function, or protein-protein interaction. Based on the evidence criteria codes applied, the variant is suggested to be Uncertain Significance.